The following is an entry in ClinVar:

NM_001099289.3(SH3RF3):c.2130C>A (p.Asp710Glu)

Genes: RANBP2 (RAN binding protein 2; plus strand), SH3RF3 (SH3 domain containing ring finger 3; plus strand). Cytogenetic location: 2q13.
Variant type: single nucleotide variant.
Coding change: c.2130C>A on transcript NM_001099289.3 (MANE Select); coding-DNA position 2130, C replaced by A.
Protein change: p.Asp710Glu; replaces aspartic acid 710 with glutamic acid.
Molecular consequence: missense variant.
Genome position (GRCh38, 1-based): chr2:109,449,471, C>A. VCF-style: chr2-109449471-C-A. GRCh37 (hg19) VCF-style: chr2-110065927-C-A.
Other names: short protein forms D710E.
Identifiers: ClinVar variation 2370678 (VCV002370678.3), dbSNP rs146090958, ClinGen allele CA1825845.

ClinVar aggregate classification (germline): Uncertain significance (1 of 4 stars; one submission).

gnomAD v4.1: 109 of 1,613,758 alleles (0.0068%); highest among the groups gnomAD compares: African/African-American, 0.13%; no homozygotes.

Submission:

Ambry Genetics
Classification: Uncertain significance. Last evaluated: 2024-06-19. Review status: criteria provided, single submitter. Criteria: Ambry Variant Classification Scheme 2023. Collection method: clinical testing. Allele origin: germline.
Comment: The c.2130C>A (p.D710E) alteration is located in exon (coding exon ) of the SH3RF3 gene. This alteration results from a C to A substitution at nucleotide position 2130, causing the aspartic acid (D) at amino acid position 710 to be replaced by a glutamic acid (E). Based on insufficient or conflicting evidence, the clinical significance of this alteration remains unclear.